The following is an entry in ClinVar:

NM_017636.4(TRPM4):c.2984C>T (p.Ser995Leu)

Gene: TRPM4 (transient receptor potential cation channel subfamily M member 4; plus strand). Cytogenetic location: 19q13.33.
Variant type: single nucleotide variant.
Coding change: c.2984C>T on transcript NM_017636.4 (MANE Select); coding-DNA position 2984, C replaced by T.
Protein change: p.Ser995Leu; replaces serine 995 with leucine.
Molecular consequence: missense variant.
Genome position (GRCh38, 1-based): chr19:49,201,994, C>T. VCF-style: chr19-49201994-C-T. GRCh37 (hg19) VCF-style: chr19-49705251-C-T.
Other names: c.2549C>T, p.Ser850Leu (NM_001195227.2); c.2639C>T, p.Ser880Leu (NM_001321281.2); c.1376C>T, p.Ser459Leu (NM_001321282.2); c.2462C>T, p.Ser821Leu (NM_001321283.2); c.1922C>T, p.Ser641Leu (NM_001321285.2); short protein forms S821L, S459L, S995L, S850L, S641L, S880L.
Identifiers: ClinVar variation 1047759 (VCV001047759.12), dbSNP rs116547139, ClinGen allele CA9569734.

ClinVar aggregate classification (germline): Conflicting classifications of pathogenicity. Review status: criteria provided, conflicting classifications (1 of 4 stars). 3 submissions from 3 submitters: Uncertain significance (2); Likely benign (1). Last evaluated 2026-01-28.

Conditions:
Progressive familial heart block type IB (PFHB1B). Identifiers: Orphanet 871, MedGen C1970298, MONDO:0011474, OMIM 604559.
Cardiovascular phenotype. Identifiers: MedGen CN230736.

Allele frequency attached by ClinVar (database versions not stated): gnomAD exomes 0.00003 and 0.00006; ExAC 0.00008; ESP Exome Variant Server 0.00008; gnomAD 0.00008 and 0.00009; TOPMed 0.00016; 1000 Genomes Project 0.00020.

Submissions (3):

Labcorp Genetics (formerly Invitae), Labcorp
Classification: Uncertain significance for Progressive familial heart block type IB. Last evaluated: 2026-01-28. Review status: criteria provided, single submitter. Criteria: Invitae Variant Classification Sherloc (09022015). Collection method: clinical testing. Allele origin: germline.
Comment: This sequence change replaces serine, which is neutral and polar, with leucine, which is neutral and non-polar, at codon 995 of the TRPM4 protein (p.Ser995Leu). This variant is present in population databases (rs116547139, gnomAD 0.03%). This variant has not been reported in the literature in individuals affected with TRPM4-related conditions. ClinVar contains an entry for this variant (Variation ID: 1047759). An algorithm developed to predict the effect of missense changes on protein structure and function outputs the following: PolyPhen-2: "Benign". The leucine amino acid residue is found in multiple mammalian species, which suggests that this missense change does not adversely affect protein function. In summary, the available evidence is currently insufficient to determine the role of this variant in disease. Therefore, it has been classified as a Variant of Uncertain Significance.

GeneDx
Classification: Uncertain significance. Last evaluated: 2025-10-30. Review status: criteria provided, single submitter. Criteria: GeneDx Variant Classification Process June 2021. Collection method: clinical testing. Allele origin: germline. Affected: yes.
Comment: Has not been previously published as pathogenic or benign to our knowledge; In silico analysis suggests that this missense variant does not alter protein structure/function

Ambry Genetics
Classification: Likely benign for Cardiovascular phenotype. Last evaluated: 2023-11-16. Review status: criteria provided, single submitter. Criteria: Ambry Variant Classification Scheme 2023. Collection method: clinical testing. Allele origin: germline.